The following is an entry in ClinVar:

NM_016239.4(MYO15A):c.8261C>T (p.Thr2754Met)

Gene: MYO15A (myosin XVA; plus strand). Cytogenetic location: 17p11.2.
Variant type: single nucleotide variant.
Coding change: c.8261C>T on transcript NM_016239.4 (MANE Select); coding-DNA position 8261, C replaced by T.
Protein change: p.Thr2754Met; replaces threonine 2754 with methionine.
Molecular consequence: missense variant.
Genome position (GRCh38, 1-based): chr17:18,155,146, C>T. VCF-style: chr17-18155146-C-T. GRCh37 (hg19) VCF-style: chr17-18058460-C-T.
Other names: short protein forms T2754M.
Identifiers: ClinVar variation 1064996 (VCV001064996.6), dbSNP rs766544188, ClinGen allele CA8425108.

ClinVar aggregate classification (germline): Conflicting classifications of pathogenicity. Review status: criteria provided, conflicting classifications (1 of 4 stars). 2 submissions from 2 submitters: Uncertain significance (1); Likely benign (1). Last evaluated 2024-03-03.

Conditions:
Hearing impairment. Also called: Impaired Hearing. Identifiers: MedGen C1384666, MONDO:0005365, HP:0000365.

gnomAD v4.1: 16 of 1,613,956 alleles (0.00099%); highest among the groups gnomAD compares: African/African-American, 0.004%; no homozygotes.

Submissions (2):

Labcorp Genetics (formerly Invitae), Labcorp
Classification: Likely benign. Last evaluated: 2024-03-03. Review status: criteria provided, single submitter. Criteria: Invitae Variant Classification Sherloc (09022015). Collection method: clinical testing. Allele origin: germline.

Department of Otolaryngology – Head & Neck Surgery, Cochlear Implant Center
Classification: Uncertain significance for Hearing impairment. Last evaluated: 2021-04-12. Review status: criteria provided, single submitter. Criteria: ClinGen HL ACMG Specifications v1. Collection method: clinical testing. Allele origin: germline. Affected: yes.
Comment: PM2_Moderate, BP4_Supporting